The following is an entry in ClinVar:

ClinVar aggregate classification (germline): Uncertain significance. Review status: no assertion criteria provided (0 of 4 stars). 2 submissions from 2 submitters: Uncertain significance (2). Last evaluated 2024-09-20.

Conditions:
Intellectual developmental disorder, autosomal dominant 22. Also called: Intellectual disability, autosomal dominant 22. Identifiers: MedGen CN029689, MONDO:0012869, OMIM 612337.
ZBTB18-related disorder. Also called: ZBTB18-related condition.

Allele frequency attached by ClinVar (database versions not stated): gnomAD exomes below 0.00001; TOPMed below 0.00001.
gnomAD v4.1: 5 of 1,614,068 alleles (0.00031%); highest among the groups gnomAD compares: Non-Finnish European, 0.00042%; no homozygotes.

Submissions (2):

PreventionGenetics, part of Exact Sciences
Classification: Uncertain significance for ZBTB18-related condition. Last evaluated: 2024-09-20. Review status: no assertion criteria provided. Collection method: clinical testing. Allele origin: germline.
Comment: The ZBTB18 c.1009C>T variant is predicted to result in the amino acid substitution p.Arg337Trp. To our knowledge, this variant has not been reported in the literature or in a large population database, indicating this variant is rare. At this time, the clinical significance of this variant is uncertain due to the absence of conclusive functional and genetic evidence.

Zotz-Klimas Genetics Lab, MVZ Zotz Klimas
Classification: Uncertain significance for Intellectual developmental disorder, autosomal dominant 22. Last evaluated: 2023-10-30. Review status: no assertion criteria provided. Collection method: clinical testing. Allele origin: germline. Affected: yes.

NM_205768.3(ZBTB18):c.1009C>T (p.Arg337Trp)

Gene: ZBTB18 (zinc finger and BTB domain containing 18; plus strand). Cytogenetic location: 1q44.
Variant type: single nucleotide variant.
Coding change: c.1009C>T on transcript NM_205768.3 (MANE Select); coding-DNA position 1009, C replaced by T.
Protein change: p.Arg337Trp; replaces arginine 337 with tryptophan.
Molecular consequence: missense variant. On other transcripts: 3 prime UTR variant (1).
Genome position (GRCh38, 1-based): chr1:244,054,783, C>T. VCF-style: chr1-244054783-C-T. GRCh37 (hg19) VCF-style: chr1-244218085-C-T.
Other names: c.1009C>T (NM_205768.2); c.982C>T, p.Arg328Trp (NM_001278196.2, NM_006352.5); c.*186C>T (NM_001421566.1); short protein forms R328W, R337W.
Identifiers: ClinVar variation 2627035 (VCV002627035.2), dbSNP rs1698422829, ClinGen allele CA345674170.